The following is an entry in ClinVar:

NM_013266.4(CTNNA3):c.1577G>A (p.Arg526Lys)

Gene: CTNNA3 (catenin alpha 3; minus strand). Cytogenetic location: 10q21.3.
Variant type: single nucleotide variant.
Coding change: c.1577G>A on transcript NM_013266.4 (MANE Select); coding-DNA position 1577, G replaced by A.
Protein change: p.Arg526Lys; replaces arginine 526 with lysine.
Molecular consequence: missense variant.
Genome position (GRCh38, 1-based): chr10:66,379,307, C>T on the plus strand (G>A on the coding strand, the complement: CTNNA3 is on the minus strand). VCF-style: chr10-66379307-C-T. GRCh37 (hg19) VCF-style: chr10-68139065-C-T.
Other names: c.1577G>A, p.Arg526Lys (NM_001127384.3); c.1577G>A (NM_013266.2); short protein forms R526K.
Identifiers: ClinVar variation 2125947 (VCV002125947.6), dbSNP rs2547059660, ClinGen allele CA377090508.

ClinVar aggregate classification (germline): Uncertain significance. Review status: criteria provided, multiple submitters, no conflicts (2 of 4 stars). 2 submissions from 2 submitters: Uncertain significance (2). Last evaluated 2023-03-27.

Conditions:
Arrhythmogenic right ventricular dysplasia 13. Also called: ARRHYTHMOGENIC RIGHT VENTRICULAR CARDIOMYOPATHY 13; Arrhythmogenic right ventricular dysplasia, familial, 13. Identifiers: MedGen C3810138, MONDO:0000908, OMIM 615616.

Submissions (2):

Ambry Genetics
Classification: Uncertain significance. Last evaluated: 2023-03-27. Review status: criteria provided, single submitter. Criteria: Ambry Variant Classification Scheme 2023. Collection method: clinical testing. Allele origin: germline.
Comment: The p.R526K variant (also known as c.1577G>A), located in coding exon 11 of the CTNNA3 gene, results from a G to A substitution at nucleotide position 1577. The arginine at codon 526 is replaced by lysine, an amino acid with highly similar properties. This amino acid position is conserved. In addition, this alteration is predicted to be tolerated by in silico analysis. Since supporting evidence is limited at this time, the clinical significance of this alteration remains unclear.

Labcorp Genetics (formerly Invitae), Labcorp
Classification: Uncertain significance for Arrhythmogenic right ventricular dysplasia 13. Last evaluated: 2022-07-03. Review status: criteria provided, single submitter. Criteria: Invitae Variant Classification Sherloc (09022015). Collection method: clinical testing. Allele origin: germline.
Comment: This sequence change replaces arginine, which is basic and polar, with lysine, which is basic and polar, at codon 526 of the CTNNA3 protein (p.Arg526Lys). In summary, the available evidence is currently insufficient to determine the role of this variant in disease. Therefore, it has been classified as a Variant of Uncertain Significance. Algorithms developed to predict the effect of missense changes on protein structure and function are either unavailable or do not agree on the potential impact of this missense change (SIFT: "Tolerated"; PolyPhen-2: "Not Available"; Align-GVGD: "Class C0"). This variant has not been reported in the literature in individuals affected with CTNNA3-related conditions. This variant is not present in population databases (gnomAD no frequency).